The following is an entry in ClinVar:

NM_016026.4(RDH11):c.889C>T (p.Arg297Cys)

Genes: GPHN (gephyrin; plus strand), RDH11 (retinol dehydrogenase 11; minus strand). Cytogenetic location: 14q24.1.
Variant type: single nucleotide variant.
Coding change: c.889C>T on transcript NM_016026.4 (MANE Select); coding-DNA position 889, C replaced by T.
Protein change: p.Arg297Cys; replaces arginine 297 with cysteine.
Molecular consequence: missense variant.
Genome position (GRCh38, 1-based): chr14:67,678,389, G>A on the plus strand (C>T on the coding strand, the complement: RDH11 is on the minus strand). VCF-style: chr14-67678389-G-A. GRCh37 (hg19) VCF-style: chr14-68145106-G-A.
Other names: c.679C>T, p.Arg227Cys (NM_001252650.2); short protein forms R297C, R227C.
Identifiers: ClinVar variation 1348335 (VCV001348335.6), dbSNP rs142826697, ClinGen allele CA262790785.

ClinVar aggregate classification (germline): Uncertain significance (1 of 4 stars; one submission).

Allele frequency attached by ClinVar (database versions not stated): gnomAD 0.00001; TOPMed 0.00001; ESP Exome Variant Server 0.00008.
gnomAD v4.1: 3 of 1,613,748 alleles (0.00019%); highest among the groups gnomAD compares: East Asian, 0.0067%; no homozygotes.

Submission:

Labcorp Genetics (formerly Invitae), Labcorp
Classification: Uncertain significance. Last evaluated: 2022-03-17. Review status: criteria provided, single submitter. Criteria: Invitae Variant Classification Sherloc (09022015). Collection method: clinical testing. Allele origin: germline.
Comment: In summary, the available evidence is currently insufficient to determine the role of this variant in disease. Therefore, it has been classified as a Variant of Uncertain Significance. Algorithms developed to predict the effect of missense changes on protein structure and function are either unavailable or do not agree on the potential impact of this missense change (SIFT: "Tolerated"; PolyPhen-2: "Possibly Damaging"; Align-GVGD: "Class C0"). This variant has not been reported in the literature in individuals affected with RDH11-related conditions. This variant is not present in population databases (gnomAD no frequency). This sequence change replaces arginine, which is basic and polar, with cysteine, which is neutral and slightly polar, at codon 297 of the RDH11 protein (p.Arg297Cys).